The following is an entry in ClinVar:

NM_020964.3(EPG5):c.-5G>A

Gene: EPG5 (ectopic P-granules 5 autophagy tethering factor; minus strand). Cytogenetic location: 18q21.1.
Variant type: single nucleotide variant.
Coding change: c.-5G>A on transcript NM_020964.3 (MANE Select); 5 bases upstream of the start codon, G replaced by A.
Molecular consequence: 5 prime UTR variant.
Genome position (GRCh38, 1-based): chr18:45,967,244, C>T on the plus strand (G>A on the coding strand, the complement: EPG5 is on the minus strand). VCF-style: chr18-45967244-C-T. GRCh37 (hg19) VCF-style: chr18-43547210-C-T.
Other names: c.-5G>A (NM_001410858.1, NM_001410859.1).
Identifiers: ClinVar variation 4983602 (VCV004983602.1).

ClinVar aggregate classification (germline): Likely benign (1 of 4 stars; one submission).

Conditions:
EPG5-related disorder. Also called: EPG5-related condition. Identifiers: MedGen CN381528.

gnomAD v4.1: 501 of 1,590,918 alleles (0.031%); highest among the groups gnomAD compares: Non-Finnish European, 0.042%; no homozygotes.

Submission:

PreventionGenetics, part of Exact Sciences
Classification: Likely benign for EPG5-related condition. Last evaluated: 2025-04-25. Review status: criteria provided, single submitter. Criteria: ACMG Guidelines, 2015. Collection method: clinical testing. Allele origin: germline.
Comment: This variant is classified as likely benign based on ACMG/AMP sequence variant interpretation guidelines (Richards et al. 2015 PMID: 25741868, with internal and published modifications).